The following is an entry in ClinVar:

ClinVar aggregate classification (germline): Pathogenic. Review status: criteria provided, multiple submitters, no conflicts (2 of 4 stars). 4 submissions from 4 submitters: Pathogenic (4). Last evaluated 2025-10-23.

Conditions:
ANK1-related disorder. Also called: ANK1-related condition.
Hereditary spherocytosis type 1. Also called: Spherocytosis type 1; ANK1-Related Spherocytosis. Identifiers: Orphanet 822, MedGen C2674218, MONDO:0008447, OMIM 182900.

Allele frequency attached by ClinVar (database versions not stated): gnomAD exomes below 0.00001.
gnomAD v4.1: 1 of 1,614,088 alleles (0.000062%); highest among the groups gnomAD compares: Non-Finnish European, 0.000085%; no homozygotes.

Submissions (4):

PreventionGenetics, part of Exact Sciences
Classification: Pathogenic for ANK1-related condition. Last evaluated: 2025-10-23. Review status: criteria provided, single submitter. Criteria: ACMG Guidelines, 2015. Collection method: clinical testing. Allele origin: germline.
Comment: The ANK1 c.4306C>T variant is predicted to result in premature protein termination (p.Arg1436*). This variant has been reported in individuals with spherocytosis (see for example: Eber et al. 1996. PubMed ID: 8640229; Wang et al. 2018. PubMed ID: 29572776). This variant has not been reported in a large population database (gnomAD), indicating this variant is rare. Nonsense variants in ANK1 are expected to be pathogenic. This variant is interpreted as pathogenic.

Labcorp Genetics (formerly Invitae), Labcorp
Classification: Pathogenic. Last evaluated: 2025-09-03. Review status: criteria provided, single submitter. Criteria: Invitae Variant Classification Sherloc (09022015). Collection method: clinical testing. Allele origin: germline.
Comment: This sequence change creates a premature translational stop signal (p.Arg1436*) in the ANK1 gene. It is expected to result in an absent or disrupted protein product. Loss-of-function variants in ANK1 are known to be pathogenic (PMID: 8640229). This variant is not present in population databases (gnomAD no frequency). This premature translational stop signal has been observed in individual(s) with spherocytosis (PMID: 8640229, 29572776). ClinVar contains an entry for this variant (Variation ID: 811943). For these reasons, this variant has been classified as Pathogenic.

ARUP Laboratories, Molecular Genetics and Genomics, ARUP Laboratories
Classification: Pathogenic for Hereditary spherocytosis type 1. Last evaluated: 2024-10-29. Review status: criteria provided, single submitter. Criteria: ARUP Molecular Germline Variant Investigation Process 2024. Collection method: clinical testing. Allele origin: germline.
Comment: The ANK1 c.4306C>T; p.Arg1436Ter variant (rs1586072383, ClinVar Variation ID 811943), is reported in the literature in individuals affected with spherocytosis (Aggarwal 2020, Eber 1996, Tole 2020, Wang 2018). This variant is absent from the Genome Aggregation Database (v2.1.1), indicating it is not a common polymorphism. This variant induces an early termination codon and is predicted to result in a truncated protein or mRNA subject to nonsense-mediated decay. Based on available information, this variant is considered to be pathogenic. References: Aggarwal A et al. Deciphering molecular heterogeneity of Indian families with hereditary spherocytosis using targeted next-generation sequencing: First South Asian study. Br J Haematol. 2020 Mar. PMID: 31602632. Eber SW et al. Ankyrin-1 mutations are a major cause of dominant and recessive hereditary spherocytosis. Nature genetics. 1996 Jun. PMID: 8640229. Tole S et al. Genotype-phenotype correlation in children with hereditary spherocytosis. Br J Haematol. 2020 Nov. PMID: 32436265. Wang R et al. Exome sequencing confirms molecular diagnoses in 38 Chinese families with hereditary spherocytosis. Sci China Life Sci. 2018 Aug. PMID: 29572776.

Neuberg Centre For Genomic Medicine, NCGM
Classification: Pathogenic for Hereditary spherocytosis type 1. Last evaluated: 2023-05-20. Review status: criteria provided, single submitter. Criteria: ACMG Guidelines, 2015. Collection method: clinical testing. Allele origin: germline. Inheritance: Autosomal dominant inheritance. Affected: yes.
Comment: The observed stop gained variant c.4306C>T(p.Arg1436Ter) in ANK1 gene has been reported previously in heterozygous state in individuals with hereditary spherocytosis (Tole S, et al., 2020, Gong J, et al., 2019). The c.4306C>T variant is absent in gnomAD Exomes. This variant has been submitted to the ClinVar database as Pathogenic. Computational evidence (Mutation Taster - Disease causing) predicts damaging effect on protein structure and function for this variant.The reference nucleotide c.4306C>T in ANK1 is predicted as conserved by GERP++ and PhyloP across 100 vertebrates. This variant is predicted to cause loss of normal protein function through protein truncation. Loss of function variants have been previously reported to be disease causing (Eber SW, et al., 1996). For these reasons, this variant has been classified as Pathogenic.

Literature cited by the submitters: PubMed 8640229 (cited by Labcorp Genetics (formerly Invitae), Labcorp); PubMed 29572776 (cited by Labcorp Genetics (formerly Invitae), Labcorp).

NM_000037.4(ANK1):c.4306C>T (p.Arg1436Ter)

Gene: ANK1 (ankyrin 1; minus strand). Cytogenetic location: 8p11.21.
Variant type: single nucleotide variant.
Coding change: c.4306C>T on transcript NM_000037.4 (MANE Select); coding-DNA position 4306, C replaced by T.
Protein change: p.Arg1436Ter; replaces arginine 1436 with a stop codon.
Molecular consequence: nonsense.
Genome position (GRCh38, 1-based): chr8:41,686,236, G>A on the plus strand (C>T on the coding strand, the complement: ANK1 is on the minus strand). VCF-style: chr8-41686236-G-A. GRCh37 (hg19) VCF-style: chr8-41543754-G-A.
Other names: c.4306C>T (NM_020476.2); c.4429C>T, p.Arg1477Ter (NM_001142446.2); c.4306C>T, p.Arg1436Ter (NM_020475.3, NM_020476.3, NM_020477.3); short protein forms R1436*, R1477*.
Identifiers: ClinVar variation 811943 (VCV000811943.15), dbSNP rs1586072383, ClinGen allele CA371057477.